The following is an entry in ClinVar:

ClinVar aggregate classification (germline): Uncertain significance. Review status: criteria provided, multiple submitters, no conflicts (2 of 4 stars). 3 submissions from 3 submitters: Uncertain significance (2). 1 of the submissions does not count toward it. Last evaluated 2025-01-20.

Conditions:
NPHP4-related disorder. Also called: NPHP4-related disorders; NPHP4-related condition. Identifiers: MedGen CN239384.
Inborn genetic diseases. Identifiers: MedGen C0950123, MeSH D030342.
Nephronophthisis. Also called: Juvenile Nephronophthisis. Identifiers: Orphanet 655, MedGen C0687120, MONDO:0019005, HP:0000090.

Allele frequency attached by ClinVar (database versions not stated): ExAC 0.00001; TOPMed 0.00002; gnomAD exomes 0.00001; gnomAD 0.00001.

Submissions (3):

Ambry Genetics
Classification: Uncertain significance for Inborn genetic diseases. Last evaluated: 2025-01-20. Review status: criteria provided, single submitter. Criteria: Ambry Variant Classification Scheme 2023. Collection method: clinical testing. Allele origin: germline.

Labcorp Genetics (formerly Invitae), Labcorp
Classification: Uncertain significance for Nephronophthisis. Last evaluated: 2021-08-31. Review status: criteria provided, single submitter. Criteria: Invitae Variant Classification Sherloc (09022015). Collection method: clinical testing. Allele origin: germline.
Comment: This sequence change replaces methionine with valine at codon 1088 of the NPHP4 protein (p.Met1088Val). The methionine residue is weakly conserved and there is a small physicochemical difference between methionine and valine. This variant is present in population databases (rs779109338, ExAC 0.009%). This variant has not been reported in the literature in individuals affected with NPHP4-related conditions. Algorithms developed to predict the effect of missense changes on protein structure and function output the following: SIFT: "Tolerated"; PolyPhen-2: "Benign"; Align-GVGD: "Class C0". The valine amino acid residue is found in multiple mammalian species, which suggests that this missense change does not adversely affect protein function. In summary, the available evidence is currently insufficient to determine the role of this variant in disease. Therefore, it has been classified as a Variant of Uncertain Significance.

PreventionGenetics, part of Exact Sciences
Classification: Uncertain significance for NPHP4-related condition. Last evaluated: 2024-07-19. Review status: no assertion criteria provided. Collection method: clinical testing. Allele origin: germline. Not counted in ClinVar's aggregate classification.
Comment: The NPHP4 c.3262A>G variant is predicted to result in the amino acid substitution p.Met1088Val. To our knowledge, this variant has not been reported in the literature or in a large population database, indicating this variant is rare. At this time, the clinical significance of this variant is uncertain due to the absence of conclusive functional and genetic evidence.

NM_015102.5(NPHP4):c.3262A>G (p.Met1088Val)

Gene: NPHP4 (nephrocystin 4; minus strand). Cytogenetic location: 1p36.31.
Variant type: single nucleotide variant.
Coding change: c.3262A>G on transcript NM_015102.5 (MANE Select); coding-DNA position 3262, A replaced by G.
Protein change: p.Met1088Val; replaces methionine 1088 with valine.
Molecular consequence: missense variant. On other transcripts: non-coding transcript variant (1).
Genome position (GRCh38, 1-based): chr1:5,873,305, T>C on the plus strand (A>G on the coding strand, the complement: NPHP4 is on the minus strand). VCF-style: chr1-5873305-T-C. GRCh37 (hg19) VCF-style: chr1-5933365-T-C.
Other names: c.1723A>G, p.Met575Val (NM_001291593.2); c.1726A>G, p.Met576Val (NM_001291594.2); c.3262A>G (NM_015102.3); short protein forms M576V, M575V, M1088V.
Identifiers: ClinVar variation 958164 (VCV000958164.8), dbSNP rs779109338, ClinGen allele CA553724.